The following is an entry in ClinVar:

ClinVar aggregate classification (germline): Likely benign (1 of 4 stars; one submission).

Allele frequency attached by ClinVar (database versions not stated): ESP Exome Variant Server 0.00008; TOPMed 0.00022; gnomAD 0.00025; gnomAD exomes 0.00040; ExAC 0.00068; 1000 Genomes Project 30x 0.00078; 1000 Genomes Project 0.00080.
gnomAD v4.1: 622 of 1,614,114 alleles (0.039%); highest among the groups gnomAD compares: South Asian, 0.41%; 2 homozygotes.

Submission:

CeGaT Center for Human Genetics Tuebingen
Classification: Likely benign. Last evaluated: 2025-09-01. Review status: criteria provided, single submitter. Criteria: CeGaT Center For Human Genetics Tuebingen Variant Classification Criteria Version 2. Collection method: clinical testing. Allele origin: germline. Affected: yes. Observed: 2 variant alleles.
Comment: SPOP: BP4, BP7

NM_001007228.2(SPOP):c.903C>T (p.Asn301=)

Gene: SPOP (speckle type BTB/POZ protein; minus strand). Cytogenetic location: 17q21.33.
Variant type: single nucleotide variant.
Coding change: c.903C>T on transcript NM_001007228.2 (MANE Select); coding-DNA position 903, C replaced by T.
Protein change: p.Asn301=; no amino-acid change (asparagine 301 retained).
Molecular consequence: synonymous variant.
Genome position (GRCh38, 1-based): chr17:49,601,942, G>A on the plus strand (C>T on the coding strand, the complement: SPOP is on the minus strand). VCF-style: chr17-49601942-G-A. GRCh37 (hg19) VCF-style: chr17-47679304-G-A.
Other names: c.903C>T, p.Asn301= (NM_001007226.1, NM_001007227.1, NM_001007229.1 and 5 more transcripts).
Identifiers: ClinVar variation 2647889 (VCV002647889.24), dbSNP rs142247620, ClinGen allele CA8638982.